The following is an entry in ClinVar:

ClinVar aggregate classification (germline): Uncertain significance (1 of 4 stars; one submission).

Conditions:
Propionic acidemia (PROP). Also called: GLYCINEMIA, KETOTIC; HYPERGLYCINEMIA WITH KETOACIDOSIS AND LEUKOPENIA; KETOTIC HYPERGLYCINEMIA. Identifiers: Orphanet 35, MedGen C0268579, MONDO:0011628, OMIM 606054, HP:0003571.

Allele frequency attached by ClinVar (database versions not stated): ExAC 0.00001; TOPMed 0.00003; ESP Exome Variant Server 0.00008.
gnomAD v4.1: 7 of 1,614,098 alleles (0.00043%); highest among the groups gnomAD compares: African/African-American, 0.004%; no homozygotes.

Submission:

Labcorp Genetics (formerly Invitae), Labcorp
Classification: Uncertain significance for Propionic acidemia. Last evaluated: 2022-07-15. Review status: criteria provided, single submitter. Criteria: Invitae Variant Classification Sherloc (09022015). Collection method: clinical testing. Allele origin: germline.
Comment: This sequence change replaces leucine, which is neutral and non-polar, with arginine, which is basic and polar, at codon 662 of the PCCA protein (p.Leu662Arg). This variant is present in population databases (rs374959576, gnomAD 0.008%). This variant has not been reported in the literature in individuals affected with PCCA-related conditions. Advanced modeling of protein sequence and biophysical properties (such as structural, functional, and spatial information, amino acid conservation, physicochemical variation, residue mobility, and thermodynamic stability) performed at Invitae indicates that this missense variant is expected to disrupt PCCA protein function. In summary, the available evidence is currently insufficient to determine the role of this variant in disease. Therefore, it has been classified as a Variant of Uncertain Significance.

NM_000282.4(PCCA):c.1985T>G (p.Leu662Arg)

Gene: PCCA (propionyl-CoA carboxylase subunit alpha; plus strand). Cytogenetic location: 13q32.3.
Variant type: single nucleotide variant.
Coding change: c.1985T>G on transcript NM_000282.4 (MANE Select); coding-DNA position 1985, T replaced by G.
Protein change: p.Leu662Arg; replaces leucine 662 with arginine.
Molecular consequence: missense variant. On other transcripts: non-coding transcript variant (4), intron variant (2).
Genome position (GRCh38, 1-based): chr13:100,515,512, T>G. VCF-style: chr13-100515512-T-G. GRCh37 (hg19) VCF-style: chr13-101167766-T-G.
Other names: c.1907T>G, p.Leu636Arg (NM_001127692.3); c.1931T>G, p.Leu644Arg (NM_001352605.2); c.1841T>G, p.Leu614Arg (NM_001352606.2); c.1763T>G, p.Leu588Arg (NM_001352608.2); c.1040T>G, p.Leu347Arg (NM_001352610.2); c.986T>G, p.Leu329Arg (NM_001352611.2); c.896T>G, p.Leu299Arg (NM_001352612.2); c.1900-12163T>G (NM_001178004.2); and 1 more; short protein forms L588R, L299R, L329R, L636R, L644R, L347R, L662R, L614R.
Identifiers: ClinVar variation 1932267 (VCV001932267.2), dbSNP rs374959576, ClinGen allele CA7033859.